The following is an entry in ClinVar:

ClinVar aggregate classification (germline): Uncertain significance (1 of 4 stars; one submission).

Conditions:
3-methylglutaconic aciduria, type VIIB (MGCA7B). Also called: CLPB Deficiency; 3-methylglutaconic aciduria, type VII, with cataracts, neurologic involvement and neutropenia; 3-methylglutaconic aciduria with cataracts, neurologic involvement and neutropenia. Identifiers: Orphanet 445038, MedGen C5676893, MONDO:0014561, OMIM 616271.

gnomAD v4.1: 2 of 1,614,234 alleles (0.00012%); highest among the groups gnomAD compares: East Asian, 0.0022%; no homozygotes.

Submission:

Labcorp Genetics (formerly Invitae), Labcorp
Classification: Uncertain significance for 3-methylglutaconic aciduria, type VIIB. Last evaluated: 2025-07-09. Review status: criteria provided, single submitter. Criteria: Invitae Variant Classification Sherloc (09022015). Collection method: clinical testing. Allele origin: germline.
Comment: This sequence change replaces leucine, which is neutral and non-polar, with phenylalanine, which is neutral and non-polar, at codon 569 of the CLPB protein (p.Leu569Phe). This variant is present in population databases (no rsID available, gnomAD 0.006%). This variant has not been reported in the literature in individuals affected with CLPB-related conditions. An algorithm developed to predict the effect of missense changes on protein structure and function (PolyPhen-2) suggests that this variant is likely to be disruptive. In summary, the available evidence is currently insufficient to determine the role of this variant in disease. Therefore, it has been classified as a Variant of Uncertain Significance.

NM_001258392.3(CLPB):c.1615C>T (p.Leu539Phe)

Gene: CLPB (ClpB family mitochondrial disaggregase; minus strand). Cytogenetic location: 11q13.4.
Variant type: single nucleotide variant.
Coding change: c.1615C>T on transcript NM_001258392.3 (MANE Select); coding-DNA position 1615, C replaced by T.
Protein change: p.Leu539Phe; replaces leucine 539 with phenylalanine.
Molecular consequence: missense variant.
Genome position (GRCh38, 1-based): chr11:72,294,390, G>A on the plus strand (C>T on the coding strand, the complement: CLPB is on the minus strand). VCF-style: chr11-72294390-G-A. GRCh37 (hg19) VCF-style: chr11-72005434-G-A.
Other names: c.1528C>T, p.Leu510Phe (NM_001258393.3); c.1570C>T, p.Leu524Phe (NM_001258394.3); c.1705C>T, p.Leu569Phe (NM_030813.6); short protein forms L539F, L524F, L569F, L510F.
Identifiers: ClinVar variation 4694400 (VCV004694400.1).
Genomic context (GRCh38, chr11:72,294,390, plus strand): 5'-TGGCCCAGAAGTTTAGTTCCTTGTTGACGAGTTGGATGAGCTCCGAGTGGCAGAAGGGGA[G>A]GAAGTAGACGATCTCATTGATCCGTCCCAGAAACTCATCCCTCCGGAAGTGAGCCTGAAG-3'
Protein context (NP_001245321.1, residues 529-549): LGRINEIVYF[Leu539Phe]PFCHSELIQL